The following is an entry in ClinVar:

NM_002618.4(PEX13):c.640A>G (p.Ser214Gly)

Gene: PEX13 (peroxisomal biogenesis factor 13; plus strand). Cytogenetic location: 2p15.
Variant type: single nucleotide variant.
Coding change: c.640A>G on transcript NM_002618.4 (MANE Select); coding-DNA position 640, A replaced by G.
Protein change: p.Ser214Gly; replaces serine 214 with glycine.
Molecular consequence: missense variant.
Genome position (GRCh38, 1-based): chr2:61,031,966, A>G. VCF-style: chr2-61031966-A-G. GRCh37 (hg19) VCF-style: chr2-61259101-A-G.
Other names: short protein forms S214G.
Identifiers: ClinVar variation 1476136 (VCV001476136.8), dbSNP rs2104803638, ClinGen allele CA346944181.

ClinVar aggregate classification (germline): Uncertain significance (1 of 4 stars; one submission).

Conditions:
Peroxisome biogenesis disorder 11A (Zellweger). Also called: Peroxisome biogenesis disorder 11A. Identifiers: Orphanet 912, MedGen C3554000, MONDO:0013949, OMIM 614883.

Submission:

Labcorp Genetics (formerly Invitae), Labcorp
Classification: Uncertain significance for Peroxisome biogenesis disorder 11A (Zellweger). Last evaluated: 2024-02-23. Review status: criteria provided, single submitter. Criteria: Invitae Variant Classification Sherloc (09022015). Collection method: clinical testing. Allele origin: germline.
Comment: This sequence change replaces serine, which is neutral and polar, with glycine, which is neutral and non-polar, at codon 214 of the PEX13 protein (p.Ser214Gly). This variant is not present in population databases (gnomAD no frequency). This variant has not been reported in the literature in individuals affected with PEX13-related conditions. ClinVar contains an entry for this variant (Variation ID: 1476136). Advanced modeling of protein sequence and biophysical properties (such as structural, functional, and spatial information, amino acid conservation, physicochemical variation, residue mobility, and thermodynamic stability) has been performed at Invitae for this missense variant, however the output from this modeling did not meet the statistical confidence thresholds required to predict the impact of this variant on PEX13 protein function. In summary, the available evidence is currently insufficient to determine the role of this variant in disease. Therefore, it has been classified as a Variant of Uncertain Significance.